The following is an entry in ClinVar:

NM_001993.5(F3):c.515T>C (p.Phe172Ser)

Gene: F3 (coagulation factor III, tissue factor; minus strand). Cytogenetic location: 1p21.3.
Variant type: single nucleotide variant.
Coding change: c.515T>C on transcript NM_001993.5 (MANE Select); coding-DNA position 515, T replaced by C.
Protein change: p.Phe172Ser; replaces phenylalanine 172 with serine.
Molecular consequence: missense variant.
Genome position (GRCh38, 1-based): chr1:94,533,166, A>G on the plus strand (T>C on the coding strand, the complement: F3 is on the minus strand). VCF-style: chr1-94533166-A-G. GRCh37 (hg19) VCF-style: chr1-94998722-A-G.
Other names: c.515T>C, p.Phe172Ser (NM_001178096.2); short protein forms F172S.
Identifiers: ClinVar variation 2638933 (VCV002638933.24), dbSNP rs2523642633, ClinGen allele CA341296416.

ClinVar aggregate classification (germline): Uncertain significance (1 of 4 stars; one submission).

Submission:

CeGaT Center for Human Genetics Tuebingen
Classification: Uncertain significance. Last evaluated: 2022-11-01. Review status: criteria provided, single submitter. Criteria: CeGaT Center For Human Genetics Tuebingen Variant Classification Criteria Version 2. Collection method: clinical testing. Allele origin: germline. Affected: yes. Observed: 1 variant allele.
Comment: F3: PM2, BP4